The following is an entry in ClinVar:

NM_001354768.3(NRL):c.381+1G>A

Gene: NRL (neural retina leucine zipper; minus strand). Cytogenetic location: 14q11.2.
Variant type: single nucleotide variant.
Coding change: c.381+1G>A on transcript NM_001354768.3 (MANE Select); the canonical splice donor site of the intron after coding-DNA position 381, G replaced by A.
Molecular consequence: splice donor variant. On other transcripts: intron variant (1).
Genome position (GRCh38, 1-based): chr14:24,082,467, C>T on the plus strand (G>A on the coding strand, the complement: NRL is on the minus strand). VCF-style: chr14-24082467-C-T. GRCh37 (hg19) VCF-style: chr14-24551676-C-T.
Other names: c.381+1G>A (NM_001354769.1, NM_006177.5); c.66+316G>A (NM_001354770.2).
Identifiers: ClinVar variation 1996526 (VCV001996526.4), dbSNP rs2502523912, ClinGen allele CA389279259.

ClinVar aggregate classification (germline): Pathogenic (1 of 4 stars; one submission).

Allele frequency attached by ClinVar (database versions not stated): gnomAD exomes below 0.00001.
gnomAD v4.1: 1 of 1,612,348 alleles (0.000062%); highest among the groups gnomAD compares: Non-Finnish European, 0.000085%; no homozygotes.

Submission:

Labcorp Genetics (formerly Invitae), Labcorp
Classification: Pathogenic. Last evaluated: 2023-05-15. Review status: criteria provided, single submitter. Criteria: Invitae Variant Classification Sherloc (09022015). Collection method: clinical testing. Allele origin: germline.
Comment: ClinVar contains an entry for this variant (Variation ID: 1996526). For these reasons, this variant has been classified as Pathogenic. This variant disrupts a region of the NRL protein in which other variant(s) (p.Leu160Alafs*67) have been determined to be pathogenic (PMID: 17335001; Invitae). This suggests that this is a clinically significant region of the protein, and that variants that disrupt it are likely to be disease-causing. Variants that disrupt the consensus splice site are a relatively common cause of aberrant splicing (PMID: 17576681, 9536098). Algorithms developed to predict the effect of sequence changes on RNA splicing suggest that this variant may disrupt the consensus splice site. This variant has not been reported in the literature in individuals affected with NRL-related conditions. This variant is not present in population databases (gnomAD no frequency). This sequence change affects a donor splice site in intron 2 of the NRL gene. While this variant is not anticipated to result in nonsense mediated decay, it likely alters RNA splicing and results in a disrupted protein product.

Literature cited by the submitters: PubMed 17335001; PubMed 17576681; PubMed 9536098.